The following is an entry in ClinVar:

ClinVar aggregate classification (germline): Uncertain significance (1 of 4 stars; one submission).

Conditions:
Cerebral creatine deficiency syndrome. Also called: Creatine deficiency syndromes. Identifiers: Orphanet 79172, MedGen C5244016, MONDO:0000456.

Submission:

Labcorp Genetics (formerly Invitae), Labcorp
Classification: Uncertain significance for Cerebral creatine deficiency syndrome. Last evaluated: 2022-08-29. Review status: criteria provided, single submitter. Criteria: Invitae Variant Classification Sherloc (09022015). Collection method: clinical testing. Allele origin: germline.
Comment: This sequence change replaces leucine, which is neutral and non-polar, with arginine, which is basic and polar, at codon 53 of the GAMT protein (p.Leu53Arg). Information on the frequency of this variant in the gnomAD database is not available, as this variant may be reported differently in the database. This variant has not been reported in the literature in individuals affected with GAMT-related conditions. Algorithms developed to predict the effect of missense changes on protein structure and function are either unavailable or do not agree on the potential impact of this missense change (SIFT: "Not Available"; PolyPhen-2: "Probably Damaging"; Align-GVGD: "Not Available"). In summary, the available evidence is currently insufficient to determine the role of this variant in disease. Therefore, it has been classified as a Variant of Uncertain Significance.

NM_000156.6(GAMT):c.157_158inv (p.Leu53Arg)

Genes: GAMT (guanidinoacetate N-methyltransferase; minus strand), LOC130062945 (ATAC-STARR-seq lymphoblastoid silent region 9707; plus strand). Cytogenetic location: 19p13.3.
Variant type: Inversion.
Coding change: c.157_158inv on transcript NM_000156.6 (MANE Select).
Protein change: p.Leu53Arg; replaces leucine 53 with arginine.
Molecular consequence: missense variant.
Genome position: GRCh38 VCF-style: chr19-1401319-AG-CT. GRCh37 (hg19) VCF-style: chr19-1401318-AG-CT.
Other names: c.157_158inv, p.Leu53Arg (NM_138924.3); short protein forms L53R.
Identifiers: ClinVar variation 2189402 (VCV002189402.1), ClinGen allele CA2580096090.